The following is an entry in ClinVar:

NM_001242896.3(DEPDC5):c.2830A>G (p.Thr944Ala)

Gene: DEPDC5 (DEP domain containing 5, GATOR1 subcomplex subunit; plus strand). Cytogenetic location: 22q12.3.
Variant type: single nucleotide variant.
Coding change: c.2830A>G on transcript NM_001242896.3 (MANE Select); coding-DNA position 2830, A replaced by G.
Protein change: p.Thr944Ala; replaces threonine 944 with alanine.
Molecular consequence: missense variant. On other transcripts: non-coding transcript variant (5).
Genome position (GRCh38, 1-based): chr22:31,845,046, A>G. VCF-style: chr22-31845046-A-G. GRCh37 (hg19) VCF-style: chr22-32241032-A-G.
Other names: c.2803A>G, p.Thr935Ala (NM_001136029.4, NM_001369903.1, NM_014662.6); c.2596A>G, p.Thr866Ala (NM_001242897.2, NM_001363854.2, NM_001364319.2); c.2830A>G, p.Thr944Ala (NM_001363852.2, NM_001364318.2, NM_001364320.2); c.2746A>G, p.Thr916Ala (NM_001369901.1, NM_001369902.1); short protein forms T866A, T916A, T935A, T944A.
Identifiers: ClinVar variation 4737748 (VCV004737748.1).

ClinVar aggregate classification (germline): Uncertain significance (1 of 4 stars; one submission).

Conditions:
Familial focal epilepsy with variable foci (FPEVF). Identifiers: Orphanet 98820, MedGen C1858477, MONDO:0020310.

gnomAD v4.1: 1 of 1,613,652 alleles (0.000062%); highest among the groups gnomAD compares: African/African-American, 0.0013%; no homozygotes.

Submission:

Labcorp Genetics (formerly Invitae), Labcorp
Classification: Uncertain significance for Familial focal epilepsy with variable foci. Last evaluated: 2025-06-15. Review status: criteria provided, single submitter. Criteria: Invitae Variant Classification Sherloc (09022015). Collection method: clinical testing. Allele origin: germline.
Comment: This sequence change replaces threonine, which is neutral and polar, with alanine, which is neutral and non-polar, at codon 944 of the DEPDC5 protein (p.Thr944Ala). This variant is not present in population databases (gnomAD no frequency). This variant has not been reported in the literature in individuals affected with DEPDC5-related conditions. Experimental studies and prediction algorithms are not available or were not evaluated, and the functional significance of this variant is currently unknown. In summary, the available evidence is currently insufficient to determine the role of this variant in disease. Therefore, it has been classified as a Variant of Uncertain Significance.